The following is an entry in ClinVar:

ClinVar aggregate classification (germline): Uncertain significance. Review status: criteria provided, multiple submitters, no conflicts (2 of 4 stars). 2 submissions from 2 submitters: Uncertain significance (2). Last evaluated 2025-09-10.

Conditions:
Epidermolysis bullosa simplex with nail dystrophy (EBS5D). Identifiers: MedGen C4225309, MONDO:0014661, OMIM 616487.
Epidermolysis bullosa simplex 5C, with pyloric atresia (EBS5C). Also called: PLEC-Related Epidermolysis Bullosa with Pyloric Atresia; Epidermolysis bullosa simplex with pyloric atresia; PLEC1-Related Epidermolysis Bullosa with Pyloric Atresia. Identifiers: Orphanet 158684, MedGen C2677349, MONDO:0012807, OMIM 612138.
Epidermolysis bullosa simplex 5B, with muscular dystrophy (EBS5B). Also called: Epidermolysis bullosa simplex with muscular dystrophy; EPIDERMOLYSIS BULLOSA SIMPLEX AND LIMB-GIRDLE MUSCULAR DYSTROPHY. Identifiers: Orphanet 257, MedGen C2931072, MONDO:0009181, OMIM 226670.
Epidermolysis bullosa simplex, Ogna type (EBS5A). Also called: Pidermolysis bullosa simplex 5A, Ogna type; EPIDERMOLYSIS BULLOSA SIMPLEX 5A, OGNA TYPE. Identifiers: Orphanet 79401, MedGen C0432317, MONDO:0007555, OMIM 131950.
Autosomal recessive limb-girdle muscular dystrophy type 2Q (LGMDR17). Also called: MUSCULAR DYSTROPHY, LIMB-GIRDLE, AUTOSOMAL RECESSIVE 17. Identifiers: Orphanet 254361, MedGen C3150989, MONDO:0013390, OMIM 613723.
Inborn genetic diseases. Identifiers: MedGen C0950123, MeSH D030342.

Allele frequency attached by ClinVar (database versions not stated): TOPMed below 0.00001; gnomAD 0.00001.
gnomAD v4.1: 48 of 1,600,650 alleles (0.003%); highest among the groups gnomAD compares: Non-Finnish European, 0.0039%; no homozygotes.

Submissions (2):

Ambry Genetics
Classification: Uncertain significance for Inborn genetic diseases. Last evaluated: 2025-09-10. Review status: criteria provided, single submitter. Criteria: Ambry Variant Classification Scheme 2023. Collection method: clinical testing. Allele origin: germline.

Labcorp Genetics (formerly Invitae), Labcorp
Classification: Uncertain significance for Autosomal recessive limb-girdle muscular dystrophy type 2Q; Epidermolysis bullosa simplex, Ogna type; Epidermolysis bullosa simplex with nail dystrophy; Epidermolysis bullosa simplex 5C, with pyloric atresia; Epidermolysis bullosa simplex 5B, with muscular dystrophy. Last evaluated: 2025-08-18. Review status: criteria provided, single submitter. Criteria: Invitae Variant Classification Sherloc (09022015). Collection method: clinical testing. Allele origin: germline.
Comment: This sequence change replaces glutamine, which is neutral and polar, with proline, which is neutral and non-polar, at codon 769 of the PLEC protein (p.Gln769Pro). This variant is not present in population databases (gnomAD no frequency). This variant has not been reported in the literature in individuals affected with PLEC-related conditions. ClinVar contains an entry for this variant (Variation ID: 1062111). Invitae Evidence Modeling of protein sequence and biophysical properties (such as structural, functional, and spatial information, amino acid conservation, physicochemical variation, residue mobility, and thermodynamic stability) has been performed for this missense variant. However, the output from this modeling did not meet the statistical confidence thresholds required to predict the impact of this variant on PLEC protein function. In summary, the available evidence is currently insufficient to determine the role of this variant in disease. Therefore, it has been classified as a Variant of Uncertain Significance.

NM_201384.3(PLEC):c.2225A>C (p.Gln742Pro)

Gene: PLEC (plectin; minus strand). Cytogenetic location: 8q24.3.
Variant type: single nucleotide variant.
Coding change: c.2225A>C on transcript NM_201384.3 (MANE Select); coding-DNA position 2225, A replaced by C.
Protein change: p.Gln742Pro; replaces glutamine 742 with proline.
Molecular consequence: missense variant.
Genome position (GRCh38, 1-based): chr8:143,931,613, T>G on the plus strand (A>C on the coding strand, the complement: PLEC is on the minus strand). VCF-style: chr8-143931613-T-G. GRCh37 (hg19) VCF-style: chr8-145005781-T-G.
Other names: c.2183A>C, p.Gln728Pro (NM_201378.4); c.2159A>C, p.Gln720Pro (NM_201379.3); c.2636A>C, p.Gln879Pro (NM_201380.4); c.2129A>C, p.Gln710Pro (NM_201381.3); c.2225A>C, p.Gln742Pro (NM_201382.4); c.2237A>C, p.Gln746Pro (NM_201383.3); c.2306A>C (NM_000445.3); c.2306A>C, p.Gln769Pro (NM_000445.5); short protein forms Q710P, Q720P, Q728P, Q742P, Q746P, Q769P, Q879P.
Identifiers: ClinVar variation 1062111 (VCV001062111.6), dbSNP rs898634177, ClinGen allele CA187620410.